The following is an entry in ClinVar:

ClinVar aggregate classification (germline): Pathogenic (1 of 4 stars; one submission).

Conditions:
Fanconi anemia (FA). Also called: Fanconi's anemia. Identifiers: Orphanet 84, MedGen C0015625, MeSH D005199, MONDO:0019391.

Submission:

Women's Health and Genetics/Laboratory Corporation of America, LabCorp
Classification: Pathogenic for Fanconi anemia. Last evaluated: 2023-04-11. Review status: criteria provided, single submitter. Criteria: LabCorp Variant Classification Summary - May 2015. Collection method: clinical testing. Allele origin: germline.
Comment: Variant summary: The variant identified by MLPA or other technology involves the deletion of exons 7-17 in the FANCA gene. A presumed nomenclature of c.(596+1_597-1)_(1626+1_1627-1)del has been designated for the purposes of this classification. Although exact breakpoints of this deletion are not known, it is expected to result in a frameshift in the FANCA gene, a known mechanism of disease. The variant was absent in 20746 control chromosomes (gnomAD, Structural Variants dataset). Deletion of exons 7-17 has been reported in the literature in two compound heterozygous siblings affected with Fanconi Anemia (Selenti_2013). These data indicate that the variant is likely to be associated with disease. One clinical diagnostic laboratory has submitted clinical-significance assessments for this variant to ClinVar after 2014 and classified the variant as pathogenic. Based on the evidence outlined above, the variant was classified as pathogenic.

Literature cited by the submitters: PubMed 23898106.

NC_000016.9:g.(89846366_89849266)_(89871801_89874701)del

Gene: FANCA (FA complementation group A; minus strand). Cytogenetic location: 16q24.3.
Variant type: Deletion.
Identifiers: ClinVar variation 2503885 (VCV002503885.1).